The following is an entry in ClinVar:

ClinVar aggregate classification (germline): Benign/Likely benign. Review status: criteria provided, multiple submitters, no conflicts (2 of 4 stars). 4 submissions from 4 submitters: Benign (1); Likely benign (2). 1 of the submissions does not count toward it. Last evaluated 2025-12-09.

Conditions:
WDR35-related disorder. Also called: WDR35-related disorders; WDR35-related condition. Identifiers: MedGen CN239419.
Short-rib thoracic dysplasia 7 with or without polydactyly (SRTD7). Also called: Short rib polydactyly syndrome 5; SHORT-RIB THORACIC DYSPLASIA 7 WITH POLYDACTYLY. Identifiers: Orphanet 498497, Orphanet 93271, MedGen C3279792, MONDO:0013569, OMIM 614091.
Cranioectodermal dysplasia 2 (CED2). Identifiers: Orphanet 1515, MedGen C3150874, MONDO:0013323, OMIM 613610.

Allele frequency attached by ClinVar (database versions not stated): gnomAD exomes 0.00013 and 0.00037; ExAC 0.00047; gnomAD 0.00113 and 0.00124; ESP Exome Variant Server 0.00115; 1000 Genomes Project 0.00120; 1000 Genomes Project 30x 0.00125; TOPMed 0.00136.
gnomAD v4.1: 369 of 1,613,924 alleles (0.023%); highest among the groups gnomAD compares: African/African-American, 0.45%; 2 homozygotes.

Submissions (4):

Labcorp Genetics (formerly Invitae), Labcorp
Classification: Benign for Cranioectodermal dysplasia 2; Short-rib thoracic dysplasia 7 with or without polydactyly. Last evaluated: 2025-12-09. Review status: criteria provided, single submitter. Criteria: Invitae Variant Classification Sherloc (09022015). Collection method: clinical testing. Allele origin: germline.

Blueprint Genetics
Classification: Likely benign. Last evaluated: 2024-11-20. Review status: criteria provided, single submitter. Criteria: ACMG Guidelines, 2015. Collection method: clinical testing. Allele origin: germline.

ARUP Laboratories, Molecular Genetics and Genomics, ARUP Laboratories
Classification: Likely benign. Last evaluated: 2018-08-06. Review status: criteria provided, single submitter. Criteria: ARUP Molecular Germline Variant Investigation Process. Collection method: clinical testing. Allele origin: germline.

PreventionGenetics, part of Exact Sciences
Classification: Likely benign for WDR35-related condition. Last evaluated: 2019-10-22. Review status: no assertion criteria provided. Collection method: clinical testing. Allele origin: germline. Not counted in ClinVar's aggregate classification.
Comment: This variant is classified as likely benign based on ACMG/AMP sequence variant interpretation guidelines (Richards et al. 2015 PMID: 25741868, with internal and published modifications).

NM_020779.4(WDR35):c.1755C>T (p.Val585=)

Gene: WDR35 (WD repeat domain 35; minus strand). Cytogenetic location: 2p24.1.
Variant type: single nucleotide variant.
Coding change: c.1755C>T on transcript NM_020779.4 (MANE Select); coding-DNA position 1755, C replaced by T.
Protein change: p.Val585=; no amino-acid change (valine 585 retained).
Molecular consequence: synonymous variant.
Genome position (GRCh38, 1-based): chr2:19,945,876, G>A on the plus strand (C>T on the coding strand, the complement: WDR35 is on the minus strand). VCF-style: chr2-19945876-G-A. GRCh37 (hg19) VCF-style: chr2-20145637-G-A.
Other names: c.1788C>T, p.Val596= (NM_001006657.2).
Identifiers: ClinVar variation 471483 (VCV000471483.21), dbSNP rs146130105, ClinGen allele CA1543120.